The following is an entry in ClinVar:

NM_000528.4(MAN2B1):c.62C>A (p.Pro21His)

Genes: MAN2B1 (mannosidase alpha class 2B member 1; minus strand), LOC130063650 (ATAC-STARR-seq lymphoblastoid silent region 10156; plus strand). Cytogenetic location: 19p13.13.
Variant type: single nucleotide variant.
Coding change: c.62C>A on transcript NM_000528.4 (MANE Select); coding-DNA position 62, C replaced by A.
Protein change: p.Pro21His; replaces proline 21 with histidine.
Molecular consequence: missense variant.
Genome position (GRCh38, 1-based): chr19:12,666,640, G>T on the plus strand (C>A on the coding strand, the complement: MAN2B1 is on the minus strand). VCF-style: chr19-12666640-G-T. GRCh37 (hg19) VCF-style: chr19-12777454-G-T.
Other names: c.62C>A, p.Pro21His (NM_001173498.2); short protein forms P21H.
Identifiers: ClinVar variation 945441 (VCV000945441.14), dbSNP rs1408334891, ClinGen allele CA404260859.

ClinVar aggregate classification (germline): Uncertain significance. Review status: criteria provided, multiple submitters, no conflicts (2 of 4 stars). 4 submissions from 4 submitters: Uncertain significance (3). 1 of the submissions does not count toward it. Last evaluated 2022-06-14.

Conditions:
Deficiency of alpha-mannosidase (MANSA). Also called: Mannosidosis, alpha-, types I and II; LYSOSOMAL ALPHA-D-MANNOSIDASE DEFICIENCY; Alpha-Mannosidosis. Identifiers: Orphanet 61, MedGen C0024748, MONDO:0009561, OMIM 248500.

Allele frequency attached by ClinVar (database versions not stated): gnomAD 0.00001; TOPMed 0.00001.
gnomAD v4.1: 23 of 1,554,274 alleles (0.0015%); highest among the groups gnomAD compares: Non-Finnish European, 0.002%; no homozygotes.

Submissions (4):

Labcorp Genetics (formerly Invitae), Labcorp
Classification: Uncertain significance for Deficiency of alpha-mannosidase. Last evaluated: 2022-06-14. Review status: criteria provided, single submitter. Criteria: Invitae Variant Classification Sherloc (09022015). Collection method: clinical testing. Allele origin: germline.
Comment: This sequence change replaces proline, which is neutral and non-polar, with histidine, which is basic and polar, at codon 21 of the MAN2B1 protein (p.Pro21His). This variant is present in population databases (no rsID available, gnomAD 0.002%). This variant has not been reported in the literature in individuals affected with MAN2B1-related conditions. ClinVar contains an entry for this variant (Variation ID: 945441). Algorithms developed to predict the effect of missense changes on protein structure and function (SIFT, PolyPhen-2, Align-GVGD) all suggest that this variant is likely to be tolerated. In summary, the available evidence is currently insufficient to determine the role of this variant in disease. Therefore, it has been classified as a Variant of Uncertain Significance.

Genome-Nilou Lab
Classification: Uncertain significance for Deficiency of alpha-mannosidase. Last evaluated: 2021-09-05. Review status: criteria provided, single submitter. Criteria: ACMG Guidelines, 2015. Collection method: clinical testing. Allele origin: germline. Affected: no.

GeneDx
Classification: Uncertain significance. Last evaluated: 2021-04-30. Review status: criteria provided, single submitter. Criteria: GeneDx Variant Classification Process June 2021. Collection method: clinical testing. Allele origin: germline. Affected: yes.
Comment: Not observed at a significant frequency in large population cohorts (Lek et al., 2016); In silico analysis supports that this missense variant does not alter protein structure/function; Has not been previously published as pathogenic or benign to our knowledge

Natera, Inc.
Classification: Uncertain significance for Alpha-mannosidosis. Last evaluated: 2021-07-20. Review status: no assertion criteria provided. Collection method: clinical testing. Allele origin: germline. Not counted in ClinVar's aggregate classification.